The following is an entry in ClinVar:

NM_001009944.3(PKD1):c.2917C>T (p.Gln973Ter)

Gene: PKD1 (polycystin 1, transient receptor potential channel interacting; minus strand). Cytogenetic location: 16p13.3.
Variant type: single nucleotide variant.
Coding change: c.2917C>T on transcript NM_001009944.3 (MANE Select); coding-DNA position 2917, C replaced by T.
Protein change: p.Gln973Ter; replaces glutamine 973 with a stop codon.
Molecular consequence: nonsense.
Genome position (GRCh38, 1-based): chr16:2,113,229, G>A on the plus strand (C>T on the coding strand, the complement: PKD1 is on the minus strand). VCF-style: chr16-2113229-G-A. GRCh37 (hg19) VCF-style: chr16-2163230-G-A.
Other names: c.2917C>T, p.Gln973Ter (NM_000296.4); short protein forms Q973*.
Identifiers: ClinVar variation 3382751 (VCV003382751.2).
Genomic context (GRCh38, chr16:2,113,229, plus strand): 5'-TGAAGACCGCCGCGCTCTGATAAATGACATTGAAGACCACGTTCTGGAAGGTCAGGGACT[G>A]CTTGTCGTTGATGGTCCACCGGAAGACCATGTCCGAGCCGGCCTCCACCACGGGGCTGTA-3'

ClinVar aggregate classification (germline): Pathogenic (1 of 4 stars; one submission).

Conditions:
Polycystic kidney disease, adult type (PKD1). Also called: POLYCYSTIC KIDNEY DISEASE, ADULT, TYPE I; Polycystic Kidney Disease 1, Autosomal Dominant; Polycystic kidney disease 1; Polycystic kidney disease 1, severe; Polycystic Kidney, Autosomal Dominant; POLYCYSTIC KIDNEY DISEASE 1 WITH OR WITHOUT POLYCYSTIC LIVER DISEASE. Identifiers: MedGen C3149841, MONDO:0008263, OMIM 173900.

Submission:

Juno Genomics, Hangzhou Juno Genomics, Inc
Classification: Pathogenic for Polycystic kidney disease, adult type. Review status: criteria provided, single submitter. Criteria: ACMG Guidelines, 2015. Collection method: clinical testing. Allele origin: germline. Affected: yes.
Comment: Absent from controls (or at extremely low frequency if recessive) in Genome Aggregation Database, Exome Sequencing Project, 1000 Genomes Project, or Exome Aggregation Consortium.;De novo (both maternity and paternity confirmed) in a patient with the disease and no family history.;Null variant in a gene where loss of function (LOF) is a known mechanism of disease.